The following is an entry in ClinVar:

NM_000466.3(PEX1):c.2620A>G (p.Arg874Gly)

Gene: PEX1 (peroxisomal biogenesis factor 1; minus strand). Cytogenetic location: 7q21.2.
Variant type: single nucleotide variant.
Coding change: c.2620A>G on transcript NM_000466.3 (MANE Select); coding-DNA position 2620, A replaced by G.
Protein change: p.Arg874Gly; replaces arginine 874 with glycine.
Molecular consequence: missense variant.
Genome position (GRCh38, 1-based): chr7:92,499,802, T>C on the plus strand (A>G on the coding strand, the complement: PEX1 is on the minus strand). VCF-style: chr7-92499802-T-C. GRCh37 (hg19) VCF-style: chr7-92129116-T-C.
Other names: c.2449A>G, p.Arg817Gly (NM_001282677.2); c.1996A>G, p.Arg666Gly (NM_001282678.2); short protein forms R817G, R874G, R666G.
Identifiers: ClinVar variation 1970746 (VCV001970746.5), dbSNP rs1791835892, ClinGen allele CA368174042.

ClinVar aggregate classification (germline): Uncertain significance (1 of 4 stars; one submission).

Conditions:
Zellweger spectrum disorders (ZS). Also called: Zellweger Spectrum Disorder; Zellweger Spectrum; Zellweger Spectrum Disorder (ZSD); Zellweger syndrome. Identifiers: Orphanet 912, MedGen C0043459, MONDO:0019609.

gnomAD v4.1: 1 of 1,612,156 alleles (0.000062%); no homozygotes.

Submission:

Labcorp Genetics (formerly Invitae), Labcorp
Classification: Uncertain significance for Zellweger spectrum disorders. Last evaluated: 2022-10-17. Review status: criteria provided, single submitter. Criteria: Invitae Variant Classification Sherloc (09022015). Collection method: clinical testing. Allele origin: germline.
Comment: This sequence change replaces arginine, which is basic and polar, with glycine, which is neutral and non-polar, at codon 874 of the PEX1 protein (p.Arg874Gly). In summary, the available evidence is currently insufficient to determine the role of this variant in disease. Therefore, it has been classified as a Variant of Uncertain Significance. Advanced modeling of protein sequence and biophysical properties (such as structural, functional, and spatial information, amino acid conservation, physicochemical variation, residue mobility, and thermodynamic stability) has been performed at Invitae for this missense variant, however the output from this modeling did not meet the statistical confidence thresholds required to predict the impact of this variant on PEX1 protein function. This variant has not been reported in the literature in individuals affected with PEX1-related conditions. This variant is not present in population databases (gnomAD no frequency).